The following is an entry in ClinVar:

ClinVar aggregate classification (germline): Likely benign (1 of 4 stars; one submission).

Allele frequency attached by ClinVar (database versions not stated): 1000 Genomes Project 30x 0.00031; ExAC 0.00045; TOPMed 0.00002; gnomAD 0.00013; gnomAD exomes 0.00018; 1000 Genomes Project 0.00020.
gnomAD v4.1: 277 of 1,614,110 alleles (0.017%); highest among the groups gnomAD compares: South Asian, 0.28%; 6 homozygotes.

Submission:

CeGaT Center for Human Genetics Tuebingen
Classification: Likely benign. Last evaluated: 2023-07-01. Review status: criteria provided, single submitter. Criteria: CeGaT Center For Human Genetics Tuebingen Variant Classification Criteria Version 2. Collection method: clinical testing. Allele origin: germline. Affected: yes. Observed: 1 variant allele.
Comment: COPG1: BP4, BP7

NM_016128.4(COPG1):c.192G>A (p.Thr64=)

Gene: COPG1 (coat protein complex I subunit gamma 1; plus strand). Cytogenetic location: 3q21.3.
Variant type: single nucleotide variant.
Coding change: c.192G>A on transcript NM_016128.4 (MANE Select); coding-DNA position 192, G replaced by A.
Protein change: p.Thr64=; no amino-acid change (threonine 64 retained).
Molecular consequence: synonymous variant.
Genome position (GRCh38, 1-based): chr3:129,252,643, G>A. VCF-style: chr3-129252643-G-A. GRCh37 (hg19) VCF-style: chr3-128971486-G-A.
Identifiers: ClinVar variation 2654119 (VCV002654119.24), dbSNP rs554697382, ClinGen allele CA2603469.
Genomic context (GRCh38, chr3:129,252,643, plus strand): 5'-CCTCTGTCCCAAGCTGAGACTTCTTTCTTGATTAACACAGGGGGAGCACCTGGGGACCAC[G>A]GAAGCGACCGAGGCCTTCTTTGCCATGACCAAGCTCTTTCAGTCCAATGATGTAAGTGCC-3'
Protein context (NP_057212.1, residues 54-74): LINQGEHLGT[Thr64=]EATEAFFAMT